The following is an entry in ClinVar:

NM_032436.4(CHAMP1):c.1184C>A (p.Pro395Gln)

Gene: CHAMP1 (chromosome alignment maintaining phosphoprotein 1; plus strand). Cytogenetic location: 13q34.
Variant type: single nucleotide variant.
Coding change: c.1184C>A on transcript NM_032436.4 (MANE Select); coding-DNA position 1184, C replaced by A.
Protein change: p.Pro395Gln; replaces proline 395 with glutamine.
Molecular consequence: missense variant.
Genome position (GRCh38, 1-based): chr13:114,325,026, C>A. VCF-style: chr13-114325026-C-A. GRCh37 (hg19) VCF-style: chr13-115090501-C-A.
Other names: c.1184C>A, p.Pro395Gln (NM_001164144.3, NM_001164145.3); short protein forms P395Q.
Identifiers: ClinVar variation 4991444 (VCV004991444.1).

ClinVar aggregate classification (germline): Likely benign (1 of 4 stars; one submission).

Conditions:
CHAMP1-related disorder. Also called: CHAMP1-related condition.

gnomAD v4.1: 189 of 1,614,128 alleles (0.012%); highest among the groups gnomAD compares: South Asian, 0.2%; 1 homozygote.

Submission:

PreventionGenetics, part of Exact Sciences
Classification: Likely benign for CHAMP1-related condition. Last evaluated: 2026-09-16. Review status: criteria provided, single submitter. Criteria: ACMG Guidelines, 2015. Collection method: clinical testing. Allele origin: germline.
Comment: This variant is classified as likely benign based on ACMG/AMP sequence variant interpretation guidelines (Richards et al. 2015 PMID: 25741868, with internal and published modifications).